The following is an entry in ClinVar:

ClinVar aggregate classification (germline): Uncertain significance (1 of 4 stars; one submission).

gnomAD v4.1: 2 of 1,613,888 alleles (0.00012%); highest among the groups gnomAD compares: Non-Finnish European, 0.00017%; no homozygotes.

Submission:

Labcorp Genetics (formerly Invitae), Labcorp
Classification: Uncertain significance. Last evaluated: 2024-10-17. Review status: criteria provided, single submitter. Criteria: Invitae Variant Classification Sherloc (09022015). Collection method: clinical testing. Allele origin: germline.
Comment: This sequence change replaces threonine, which is neutral and polar, with lysine, which is basic and polar, at codon 383 of the FAT4 protein (p.Thr383Lys). This variant is not present in population databases (gnomAD no frequency). This variant has not been reported in the literature in individuals affected with FAT4-related conditions. ClinVar contains an entry for this variant (Variation ID: 2127946). Invitae Evidence Modeling of protein sequence and biophysical properties (such as structural, functional, and spatial information, amino acid conservation, physicochemical variation, residue mobility, and thermodynamic stability) indicates that this missense variant is not expected to disrupt FAT4 protein function with a negative predictive value of 80%. In summary, the available evidence is currently insufficient to determine the role of this variant in disease. Therefore, it has been classified as a Variant of Uncertain Significance.

NM_001291303.3(FAT4):c.1148C>A (p.Thr383Lys)

Gene: FAT4 (FAT atypical cadherin 4; plus strand). Cytogenetic location: 4q28.1.
Variant type: single nucleotide variant.
Coding change: c.1148C>A on transcript NM_001291303.3 (MANE Select); coding-DNA position 1148, C replaced by A.
Protein change: p.Thr383Lys; replaces threonine 383 with lysine.
Molecular consequence: missense variant.
Genome position (GRCh38, 1-based): chr4:125,317,559, C>A. VCF-style: chr4-125317559-C-A. GRCh37 (hg19) VCF-style: chr4-126238714-C-A.
Other names: c.1148C>A, p.Thr383Lys (NM_001291285.3, NM_024582.6); short protein forms T383K.
Identifiers: ClinVar variation 2127946 (VCV002127946.4), dbSNP rs2530425532, ClinGen allele CA358117297.